The following is an entry in ClinVar:

ClinVar aggregate classification (germline): Uncertain significance. Review status: criteria provided, multiple submitters, no conflicts (2 of 4 stars). 6 submissions from 6 submitters: Uncertain significance (6). Last evaluated 2026-02-14.

Conditions:
Hypertrophic cardiomyopathy 10. Also called: MYL2-Related Familial Hypertrophic Cardiomyopathy; CARDIOMYOPATHY, HYPERTROPHIC, MID-LEFT VENTRICULAR CHAMBER TYPE, 2. Identifiers: MedGen C1834460, MONDO:0012112, OMIM 608758.
Myopathy, myofibrillar, 12, infantile-onset, with cardiomyopathy. Identifiers: MedGen C5561937, MONDO:0859168, OMIM 619424.
Cardiovascular phenotype. Identifiers: MedGen CN230736.
Hypertrophic cardiomyopathy. Also called: HYPERTROPHIC MYOCARDIOPATHY. Identifiers: Orphanet 217569, MedGen C0007194, MeSH D002312, MONDO:0005045, HP:0001639.

Allele frequency attached by ClinVar (database versions not stated): ESP Exome Variant Server 0.00008; gnomAD exomes below 0.00001; ExAC 0.00001; gnomAD 0.00002; TOPMed 0.00002.

Submissions (6):

Women's Health and Genetics/Laboratory Corporation of America, LabCorp
Classification: Uncertain significance. Last evaluated: 2026-02-14. Review status: criteria provided, single submitter. Criteria: LabCorp Variant Classification Summary - May 2015. Collection method: clinical testing. Allele origin: germline.

Labcorp Genetics (formerly Invitae), Labcorp
Classification: Uncertain significance for Hypertrophic cardiomyopathy 10. Last evaluated: 2025-12-22. Review status: criteria provided, single submitter. Criteria: Invitae Variant Classification Sherloc (09022015). Collection method: clinical testing. Allele origin: germline.
Comment: This sequence change replaces methionine, which is neutral and non-polar, with isoleucine, which is neutral and non-polar, at codon 122 of the MYL2 protein (p.Met122Ile). This variant is present in population databases (rs374439285, gnomAD 0.007%). This variant has not been reported in the literature in individuals affected with MYL2-related conditions. ClinVar contains an entry for this variant (Variation ID: 450755). An algorithm developed to predict the effect of missense changes on protein structure and function (PolyPhen-2) suggests that this variant is likely to be tolerated. In summary, the available evidence is currently insufficient to determine the role of this variant in disease. Therefore, it has been classified as a Variant of Uncertain Significance.

Fulgent Genetics
Classification: Uncertain significance for Hypertrophic cardiomyopathy 10; Myopathy, myofibrillar, 12, infantile-onset, with cardiomyopathy. Last evaluated: 2024-04-11. Review status: criteria provided, single submitter. Criteria: ACMG Guidelines, 2015. Collection method: clinical testing. Allele origin: germline.

All of Us Research Program, National Institutes of Health
Classification: Uncertain significance for Hypertrophic cardiomyopathy. Last evaluated: 2023-02-24. Review status: criteria provided, single submitter. Criteria: ACMG Guidelines, 2015. Collection method: clinical testing. Allele origin: germline. Inheritance: Autosomal dominant inheritance. Observed: 1 variant allele, 1 heterozygote.
Comment: This missense variant replaces methionine with isoleucine at codon 122 of the MYL2 protein. Computational prediction suggests that this variant may not impact protein structure and function (internally defined REVEL score threshold <= 0.5, PMID: 27666373). To our knowledge, functional studies have not been reported for this variant. This variant has not been reported in individuals affected with MYL2-related disorders in the literature. This variant has been identified in 1/251490 chromosomes in the general population by the Genome Aggregation Database (gnomAD). The available evidence is insufficient to determine the role of this variant in disease conclusively. Therefore, this variant is classified as a Variant of Uncertain Significance.

This study involves interpretation of variants in research participants for the purpose of population health screening. Participant phenotype was not available at the time of variant classification. Additional details can be found in publication PMID: 35346344, PMCID: PMC8962531

GeneDx
Classification: Uncertain significance. Last evaluated: 2022-12-21. Review status: criteria provided, single submitter. Criteria: GeneDx Variant Classification Process June 2021. Collection method: clinical testing. Allele origin: germline. Affected: yes.
Comment: Has not been previously published as pathogenic or benign to our knowledge; Not observed at significant frequency in large population cohorts (gnomAD); In silico analysis supports that this missense variant does not alter protein structure/function

Ambry Genetics
Classification: Uncertain significance for Cardiovascular phenotype. Last evaluated: 2021-01-26. Review status: criteria provided, single submitter. Criteria: Ambry Variant Classification Scheme 2023. Collection method: clinical testing. Allele origin: germline.
Comment: The p.M122I variant (also known as c.366G>T), located in coding exon 6 of the MYL2 gene, results from a G to T substitution at nucleotide position 366. The methionine at codon 122 is replaced by isoleucine, an amino acid with highly similar properties. This amino acid position is highly conserved in available vertebrate species. In addition, this alteration is predicted to be deleterious by in silico analysis. Since supporting evidence is limited at this time, the clinical significance of this alteration remains unclear.

NM_000432.4(MYL2):c.366G>T (p.Met122Ile)

Gene: MYL2 (myosin light chain 2; minus strand). Cytogenetic location: 12q24.11.
Variant type: single nucleotide variant.
Coding change: c.366G>T on transcript NM_000432.4 (MANE Select); coding-DNA position 366, G replaced by T.
Protein change: p.Met122Ile; replaces methionine 122 with isoleucine.
Molecular consequence: missense variant.
Genome position (GRCh38, 1-based): chr12:110,913,132, C>A on the plus strand (G>T on the coding strand, the complement: MYL2 is on the minus strand). VCF-style: chr12-110913132-C-A. GRCh37 (hg19) VCF-style: chr12-111350936-C-A.
Other names: short protein forms M122I.
Identifiers: ClinVar variation 450755 (VCV000450755.9), dbSNP rs374439285, ClinGen allele CA042304.